The following is an entry in ClinVar:

ClinVar aggregate classification (germline): Uncertain significance. Review status: criteria provided, multiple submitters, no conflicts (2 of 4 stars). 3 submissions from 3 submitters: Uncertain significance (3). Last evaluated 2025-08-30.

Conditions:
Myofibrillar myopathy 5. Also called: Filaminopathy (type); FILAMINOPATHY, AUTOSOMAL DOMINANT. Identifiers: Orphanet 171445, MedGen C1836050, MONDO:0012289, OMIM 609524.
Distal myopathy with posterior leg and anterior hand involvement. Also called: WILLIAMS DISTAL MYOPATHY. Identifiers: Orphanet 63273, MedGen C3279722, MONDO:0013550, OMIM 614065.
Hypertrophic cardiomyopathy 26. Also called: Cardiomyopathy, familial hypertrophic, 26. Identifiers: Orphanet 75249, MedGen C4310749, MONDO:0014883, OMIM 617047.

gnomAD v4.1: 7 of 1,613,868 alleles (0.00043%); highest among the groups gnomAD compares: South Asian, 0.0011%; no homozygotes.

Submissions (3):

Labcorp Genetics (formerly Invitae), Labcorp
Classification: Uncertain significance for Distal myopathy with posterior leg and anterior hand involvement; Myofibrillar myopathy 5; Hypertrophic cardiomyopathy 26. Last evaluated: 2025-08-30. Review status: criteria provided, single submitter. Criteria: Invitae Variant Classification Sherloc (09022015). Collection method: clinical testing. Allele origin: germline.
Comment: This sequence change replaces valine, which is neutral and non-polar, with leucine, which is neutral and non-polar, at codon 2014 of the FLNC protein (p.Val2014Leu). This variant is not present in population databases (gnomAD no frequency). This variant has not been reported in the literature in individuals affected with FLNC-related conditions. ClinVar contains an entry for this variant (Variation ID: 1038945). Invitae Evidence Modeling of protein sequence and biophysical properties (such as structural, functional, and spatial information, amino acid conservation, physicochemical variation, residue mobility, and thermodynamic stability) has been performed for this missense variant. However, the output from this modeling did not meet the statistical confidence thresholds required to predict the impact of this variant on FLNC protein function. In summary, the available evidence is currently insufficient to determine the role of this variant in disease. Therefore, it has been classified as a Variant of Uncertain Significance.

Revvity Omics, Revvity
Classification: Uncertain significance. Last evaluated: 2025-01-29. Review status: criteria provided, single submitter. Criteria: ACMG Guidelines, 2015. Collection method: clinical testing. Allele origin: germline.

Blueprint Genetics
Classification: Uncertain significance. Last evaluated: 2023-09-01. Review status: criteria provided, single submitter. Criteria: ACMG Guidelines, 2015. Collection method: clinical testing. Allele origin: germline.

NM_001458.5(FLNC):c.6040G>C (p.Val2014Leu)

Genes: FLNC (filamin C; plus strand), FLNC-AS1 (FLNC antisense RNA 1; minus strand). Cytogenetic location: 7q32.1.
Variant type: single nucleotide variant.
Coding change: c.6040G>C on transcript NM_001458.5 (MANE Select); coding-DNA position 6040, G replaced by C.
Protein change: p.Val2014Leu; replaces valine 2014 with leucine.
Molecular consequence: missense variant.
Genome position (GRCh38, 1-based): chr7:128,852,863, G>C. VCF-style: chr7-128852863-G-C. GRCh37 (hg19) VCF-style: chr7-128492917-G-C.
Other names: c.6040G>C (NM_001458.4); c.5941G>C, p.Val1981Leu (NM_001127487.2); short protein forms V1981L, V2014L.
Identifiers: ClinVar variation 1038945 (VCV001038945.9), dbSNP rs772477251, ClinGen allele CA369211021.
Genomic context (GRCh38, chr7:128,852,863, plus strand): 5'-TCTGCCTAACACCCACTTTCCACAGGGATCTCCTTCACCCCCAAGGAGGTCGGGGAGCAC[G>C]TGGTGAGCGTGCGCAAGAGTGGCAAGCATGTCACCAACAGCCCCTTCAAGATCCTGGTGG-3'
Protein context (NP_001449.3, residues 2004-2024): SFTPKEVGEH[Val2014Leu]VSVRKSGKHV